The following is an entry in ClinVar:

NM_015338.6(ASXL1):c.3217C>T (p.Arg1073Cys)

Gene: ASXL1 (ASXL transcriptional regulator 1; plus strand). Cytogenetic location: 20q11.21.
Variant type: single nucleotide variant.
Coding change: c.3217C>T on transcript NM_015338.6 (MANE Select); coding-DNA position 3217, C replaced by T.
Protein change: p.Arg1073Cys; replaces arginine 1073 with cysteine.
Molecular consequence: missense variant.
Genome position (GRCh38, 1-based): chr20:32,435,929, C>T. VCF-style: chr20-32435929-C-T. GRCh37 (hg19) VCF-style: chr20-31023732-C-T.
Other names: c.3034C>T, p.Arg1012Cys (NM_001363734.1); short protein forms R1012C, R1073C.
Identifiers: ClinVar variation 1212249 (VCV001212249.14), dbSNP rs549552934, ClinGen allele CA9808781.

ClinVar aggregate classification (germline): Likely benign. Review status: criteria provided, multiple submitters, no conflicts (2 of 4 stars). 3 submissions from 3 submitters: Likely benign (3). Last evaluated 2025-12-01.

Allele frequency attached by ClinVar (database versions not stated): gnomAD exomes 0.00003 and 0.00007; gnomAD 0.00006 and 0.00007; TOPMed 0.00007; 1000 Genomes Project 30x 0.00016; 1000 Genomes Project 0.00020.
gnomAD v4.1: 61 of 1,614,124 alleles (0.0038%); highest among the groups gnomAD compares: South Asian, 0.0033%; no homozygotes.

Submissions (3):

CeGaT Center for Human Genetics Tuebingen
Classification: Likely benign. Last evaluated: 2025-12-01. Review status: criteria provided, single submitter. Criteria: CeGaT Center For Human Genetics Tuebingen Variant Classification Criteria Version 2. Collection method: clinical testing. Allele origin: germline. Affected: yes. Observed: 1 variant allele.
Comment: ASXL1: BP4

Labcorp Genetics (formerly Invitae), Labcorp
Classification: Likely benign. Last evaluated: 2025-09-04. Review status: criteria provided, single submitter. Criteria: Invitae Variant Classification Sherloc (09022015). Collection method: clinical testing. Allele origin: germline.

GeneDx
Classification: Likely benign. Last evaluated: 2019-10-04. Review status: criteria provided, single submitter. Criteria: GeneDx Variant Classification Process June 2021. Collection method: clinical testing. Allele origin: germline. Affected: yes.